The following is an entry in ClinVar:

NM_001005373.4(LRSAM1):c.22C>T (p.Arg8Trp)

Gene: LRSAM1 (leucine rich repeat and sterile alpha motif containing 1; plus strand). Cytogenetic location: 9q33.3.
Variant type: single nucleotide variant.
Coding change: c.22C>T on transcript NM_001005373.4 (MANE Select); coding-DNA position 22, C replaced by T.
Protein change: p.Arg8Trp; replaces arginine 8 with tryptophan.
Molecular consequence: missense variant. On other transcripts: 5 prime UTR variant (1), non-coding transcript variant (2).
Genome position (GRCh38, 1-based): chr9:127,454,549, C>T. VCF-style: chr9-127454549-C-T. GRCh37 (hg19) VCF-style: chr9-130216828-C-T.
Other names: c.22C>T, p.Arg8Trp (NM_001005374.4, NM_001190723.3, NM_001384142.1 and 2 more transcripts); c.-763C>T (NM_001384144.1); short protein forms R8W.
Identifiers: ClinVar variation 1022093 (VCV001022093.10), dbSNP rs752596738, ClinGen allele CA5246348.
Genomic context (GRCh38, chr9:127,454,549, plus strand): 5'-GCCCCAGGGTCCTAAAGATCGCTCTGGGAAAAGGGAAGGATGCCGCTCTTCTTCCGGAAG[C>T]GGAAACCCAGTGAGGAGGCTCGGAAACGCCTGGAGTACCAGATGTGTTTGGTGAGGGAAA-3'
Protein context (NP_001005373.1, residues 1-18): MPLFFRK[Arg8Trp]KPSEEARKRL

ClinVar aggregate classification (germline): Uncertain significance. Review status: criteria provided, multiple submitters, no conflicts (2 of 4 stars). 2 submissions from 2 submitters: Uncertain significance (2). Last evaluated 2026-02-01.

Conditions:
Inborn genetic diseases. Identifiers: MedGen C0950123, MeSH D030342.
Charcot-Marie-Tooth disease axonal type 2P. Also called: CHARCOT-MARIE-TOOTH NEUROPATHY, TYPE 2P; Charcot-Marie-Tooth Neuropathy Type 2G; CHARCOT-MARIE-TOOTH DISEASE, AXONAL, TYPE 2G; CMT 2G. Identifiers: Orphanet 300319, Orphanet 99941, MedGen C3280797, MONDO:0013753, OMIM 614436.

Allele frequency attached by ClinVar (database versions not stated): gnomAD 0.00001; TOPMed 0.00001.
gnomAD v4.1: 12 of 1,614,044 alleles (0.00074%); highest among the groups gnomAD compares: African/African-American, 0.0027%; no homozygotes.

Submissions (2):

Labcorp Genetics (formerly Invitae), Labcorp
Classification: Uncertain significance for Charcot-Marie-Tooth disease axonal type 2P. Last evaluated: 2026-02-01. Review status: criteria provided, single submitter. Criteria: Invitae Variant Classification Sherloc (09022015). Collection method: clinical testing. Allele origin: germline.
Comment: This sequence change replaces arginine, which is basic and polar, with tryptophan, which is neutral and slightly polar, at codon 8 of the LRSAM1 protein (p.Arg8Trp). This variant is present in population databases (rs752596738, gnomAD 0.004%). This variant has not been reported in the literature in individuals affected with LRSAM1-related conditions. ClinVar contains an entry for this variant (Variation ID: 1022093). Invitae Evidence Modeling of protein sequence and biophysical properties (such as structural, functional, and spatial information, amino acid conservation, physicochemical variation, residue mobility, and thermodynamic stability) has been performed for this missense variant. However, the output from this modeling did not meet the statistical confidence thresholds required to predict the impact of this variant on LRSAM1 protein function. In summary, the available evidence is currently insufficient to determine the role of this variant in disease. Therefore, it has been classified as a Variant of Uncertain Significance.

Ambry Genetics
Classification: Uncertain significance for Inborn genetic diseases. Last evaluated: 2020-03-18. Review status: criteria provided, single submitter. Criteria: Ambry Variant Classification Scheme 2023. Collection method: clinical testing. Allele origin: germline.
Comment: The p.R8W variant (also known as c.22C>T), located in coding exon 1 of the LRSAM1 gene, results from a C to T substitution at nucleotide position 22. The arginine at codon 8 is replaced by tryptophan, an amino acid with dissimilar properties. This amino acid position is well conserved in available vertebrate species. In addition, the in silico prediction for this alteration is inconclusive. Since supporting evidence is limited at this time, the clinical significance of this alteration remains unclear.